The following is an entry in ClinVar:

ClinVar aggregate classification (germline): Likely benign. Review status: criteria provided, multiple submitters, no conflicts (2 of 4 stars). 6 submissions from 6 submitters: Likely benign (5). 1 of the submissions does not count toward it. Last evaluated 2026-01-18.

Conditions:
LOX-related disorder. Also called: LOX-related disorders; LOX-related condition.
Aortic aneurysm, familial thoracic 10 (AAT10). Identifiers: MedGen C4284414, MONDO:0014950, OMIM 617168.
Cardiovascular phenotype. Identifiers: MedGen CN230736.

Allele frequency attached by ClinVar (database versions not stated): gnomAD exomes 0.00008 and 0.00020; ExAC 0.00029; ESP Exome Variant Server 0.00066; TOPMed 0.00093; gnomAD 0.00096 and 0.00103; 1000 Genomes Project 0.00140; 1000 Genomes Project 30x 0.00141.
gnomAD v4.1: 279 of 1,605,586 alleles (0.017%); highest among the groups gnomAD compares: African/African-American, 0.31%; 1 homozygote.

Submissions (6):

Labcorp Genetics (formerly Invitae), Labcorp
Classification: Likely benign. Last evaluated: 2026-01-18. Review status: criteria provided, single submitter. Criteria: Invitae Variant Classification Sherloc (09022015). Collection method: clinical testing. Allele origin: germline.

Blueprint Genetics
Classification: Likely benign. Last evaluated: 2024-10-08. Review status: criteria provided, single submitter. Criteria: ACMG Guidelines, 2015. Collection method: clinical testing. Allele origin: germline.

Ambry Genetics
Classification: Likely benign for Cardiovascular phenotype. Last evaluated: 2022-05-04. Review status: criteria provided, single submitter. Criteria: Ambry Variant Classification Scheme 2023. Collection method: clinical testing. Allele origin: germline.

ARUP Laboratories, Molecular Genetics and Genomics, ARUP Laboratories
Classification: Likely benign for Aortic aneurysm, familial thoracic 10. Last evaluated: 2020-12-30. Review status: criteria provided, single submitter. Criteria: ARUP Molecular Germline Variant Investigation Process 2021. Collection method: clinical testing. Allele origin: germline.

GeneDx
Classification: Likely benign. Last evaluated: 2020-12-14. Review status: criteria provided, single submitter. Criteria: GeneDx Variant Classification Process June 2021. Collection method: clinical testing. Allele origin: germline. Affected: yes.

PreventionGenetics, part of Exact Sciences
Classification: Likely benign for LOX-related condition. Last evaluated: 2023-01-18. Review status: no assertion criteria provided. Collection method: clinical testing. Allele origin: germline. Not counted in ClinVar's aggregate classification.
Comment: This variant is classified as likely benign based on ACMG/AMP sequence variant interpretation guidelines (Richards et al. 2015 PMID: 25741868, with internal and published modifications).

NM_002317.7(LOX):c.322G>A (p.Gly108Ser)

Genes: LOX (lysyl oxidase; minus strand), SRFBP1 (serum response factor binding protein 1; plus strand). Cytogenetic location: 5q23.1.
Variant type: single nucleotide variant.
Coding change: c.322G>A on transcript NM_002317.7 (MANE Select); coding-DNA position 322, G replaced by A.
Protein change: p.Gly108Ser; replaces glycine 108 with serine.
Molecular consequence: missense variant.
Genome position (GRCh38, 1-based): chr5:122,077,664, C>T on the plus strand (G>A on the coding strand, the complement: LOX is on the minus strand). VCF-style: chr5-122077664-C-T. GRCh37 (hg19) VCF-style: chr5-121413359-C-T.
Other names: short protein forms G108S.
Identifiers: ClinVar variation 736277 (VCV000736277.22), dbSNP rs200554252, ClinGen allele CA3384064.
Genomic context (GRCh38, chr5:122,077,664, plus strand): 5'-CAGCTTGGAACCAGTGACGGGCGGTGGGCCTGGGGCGGCCAGCGGTGACTCCAGATGAGC[C>T]GGCCGTCCGCGTTCGCGCCGCGGCGGTGCGGTTGTCGCGGATCAGCAGGATCGGAGTGCG-3'
Protein context (NP_002308.2, residues 98-118): RTAAARTRTA[Gly108Ser]SSGVTAGRPR